The following is an entry in ClinVar:

ClinVar aggregate classification (germline): Uncertain significance. Review status: criteria provided, multiple submitters, no conflicts (2 of 4 stars). 2 submissions from 2 submitters: Uncertain significance (2). Last evaluated 2026-07-31.

Conditions:
Cardiovascular phenotype. Identifiers: MedGen CN230736.

Allele frequency attached by ClinVar (database versions not stated): gnomAD 0.00001; ExAC 0.00001.
gnomAD v4.1: 4 of 1,601,026 alleles (0.00025%); highest among the groups gnomAD compares: Middle Eastern, 0.017%; no homozygotes.

Submissions (2):

Ambry Genetics
Classification: Uncertain significance for Cardiovascular phenotype. Last evaluated: 2026-07-31. Review status: criteria provided, single submitter. Criteria: Ambry Variant Classification Scheme 2023. Collection method: clinical testing. Allele origin: germline.
Comment: The p.A1286T variant (also known as c.3856G>A), located in coding exon 6 of the ALPK3 gene, results from a G to A substitution at nucleotide position 3856. The alanine at codon 1286 is replaced by threonine, an amino acid with similar properties. This amino acid position is conserved. In addition, this alteration is predicted to be tolerated by in silico analysis. Based on the available evidence, the clinical significance of this variant remains unclear.

Labcorp Genetics (formerly Invitae), Labcorp
Classification: Uncertain significance. Last evaluated: 2025-09-23. Review status: criteria provided, single submitter. Criteria: Invitae Variant Classification Sherloc (09022015). Collection method: clinical testing. Allele origin: germline.
Comment: This sequence change replaces alanine, which is neutral and non-polar, with threonine, which is neutral and polar, at codon 1286 of the ALPK3 protein (p.Ala1286Thr). The frequency data for this variant in the population databases is considered unreliable, as metrics indicate poor data quality at this position in the gnomAD database. This variant has not been reported in the literature in individuals affected with ALPK3-related conditions. ClinVar contains an entry for this variant (Variation ID: 2187680). Invitae Evidence Modeling of protein sequence and biophysical properties (such as structural, functional, and spatial information, amino acid conservation, physicochemical variation, residue mobility, and thermodynamic stability) indicates that this missense variant is not expected to disrupt ALPK3 protein function with a negative predictive value of 80%. In summary, the available evidence is currently insufficient to determine the role of this variant in disease. Therefore, it has been classified as a Variant of Uncertain Significance.

NM_020778.5(ALPK3):c.3250G>A (p.Ala1084Thr)

Gene: ALPK3 (alpha kinase 3; plus strand). Cytogenetic location: 15q25.3.
Variant type: single nucleotide variant.
Coding change: c.3250G>A on transcript NM_020778.5 (MANE Select); coding-DNA position 3250, G replaced by A.
Protein change: p.Ala1084Thr; replaces alanine 1084 with threonine.
Molecular consequence: missense variant.
Genome position (GRCh38, 1-based): chr15:84,857,988, G>A. VCF-style: chr15-84857988-G-A. GRCh37 (hg19) VCF-style: chr15-85401219-G-A.
Other names: c.3856G>A (NM_020778.4); short protein forms A1084T.
Identifiers: ClinVar variation 2187680 (VCV002187680.5), dbSNP rs750902389, ClinGen allele CA7709584.